The following is an entry in ClinVar:

NM_001042492.3(NF1):c.6799A>G (p.Ile2267Val)

Gene: NF1 (neurofibromin 1; plus strand). Cytogenetic location: 17q11.2.
Variant type: single nucleotide variant.
Coding change: c.6799A>G on transcript NM_001042492.3 (MANE Select); coding-DNA position 6799, A replaced by G.
Protein change: p.Ile2267Val; replaces isoleucine 2267 with valine.
Molecular consequence: missense variant.
Genome position (GRCh38, 1-based): chr17:31,338,119, A>G. VCF-style: chr17-31338119-A-G. GRCh37 (hg19) VCF-style: chr17-29665137-A-G.
Other names: c.6736A>G, p.Ile2246Val (NM_000267.4); short protein forms I2246V, I2267V.
Identifiers: ClinVar variation 2635578 (VCV002635578.4), dbSNP rs2508759741, ClinGen allele CA399014182.

ClinVar aggregate classification (germline): Uncertain significance. Review status: criteria provided, multiple submitters, no conflicts (2 of 4 stars). 2 submissions from 2 submitters: Uncertain significance (2). Last evaluated 2025-08-30.

Conditions:
NF1-related disorder. Also called: NF1-related condition. Identifiers: MedGen CN379171.
Neurofibromatosis, type 1 (NF1). Also called: VON RECKLINGHAUSEN DISEASE; NEUROFIBROMATOSIS, TYPE I, SOMATIC; Peripheral type neurofibromatosis; Neurofibromatosis, type I. Identifiers: Orphanet 636, MedGen C0027831, MONDO:0018975, OMIM 162200. Disease mechanism: loss of function.

Submissions (2):

Labcorp Genetics (formerly Invitae), Labcorp
Classification: Uncertain significance for Neurofibromatosis, type 1. Last evaluated: 2025-08-30. Review status: criteria provided, single submitter. Criteria: Invitae Variant Classification Sherloc (09022015). Collection method: clinical testing. Allele origin: germline.
Comment: This sequence change replaces isoleucine, which is neutral and non-polar, with valine, which is neutral and non-polar, at codon 2246 of the NF1 protein (p.Ile2246Val). This variant is not present in population databases (gnomAD no frequency). This missense change has been observed in individual(s) with breast cancer (PMID: 30530636). ClinVar contains an entry for this variant (Variation ID: 2635578). Invitae Evidence Modeling of protein sequence and biophysical properties (such as structural, functional, and spatial information, amino acid conservation, physicochemical variation, residue mobility, and thermodynamic stability) has been performed for this missense variant. However, the output from this modeling did not meet the statistical confidence thresholds required to predict the impact of this variant on NF1 protein function. Algorithms developed to predict the effect of sequence changes on RNA splicing suggest that this variant may disrupt the consensus splice site. In summary, the available evidence is currently insufficient to determine the role of this variant in disease. Therefore, it has been classified as a Variant of Uncertain Significance.

PreventionGenetics, part of Exact Sciences
Classification: Uncertain significance for NF1-related condition. Last evaluated: 2022-11-04. Review status: criteria provided, single submitter. Criteria: ACMG Guidelines, 2015. Collection method: clinical testing. Allele origin: germline.
Comment: The NF1 c.6799A>G variant is predicted to result in the amino acid substitution p.Ile2267Val. This variant has been previously reported in an individual with breast cancer (reported as p.Ile2246Val in Table 2, Frayling et al. 2019. PubMed ID: 30530636). This variant has not been reported in a large population database, indicating this variant is rare. At this time, the clinical significance of this variant is uncertain due to the absence of conclusive functional and genetic evidence.

Literature cited by the submitters: PubMed 30530636 (cited by Labcorp Genetics (formerly Invitae), Labcorp).